The following is an entry in ClinVar:

ClinVar aggregate classification (germline): Uncertain significance. Review status: criteria provided, multiple submitters, no conflicts (2 of 4 stars). 2 submissions from 2 submitters: Uncertain significance (2). Last evaluated 2025-06-14.

Conditions:
Inborn genetic diseases. Identifiers: MedGen C0950123, MeSH D030342.

Allele frequency attached by ClinVar (database versions not stated): TOPMed 0.00002; ESP Exome Variant Server 0.00008; gnomAD 0.00002; gnomAD exomes 0.00003; ExAC 0.00002.
gnomAD v4.1: 44 of 1,613,968 alleles (0.0027%); highest among the groups gnomAD compares: East Asian, 0.0045%; no homozygotes.

Submissions (2):

Labcorp Genetics (formerly Invitae), Labcorp
Classification: Uncertain significance. Last evaluated: 2025-06-14. Review status: criteria provided, single submitter. Criteria: Invitae Variant Classification Sherloc (09022015). Collection method: clinical testing. Allele origin: germline.
Comment: This sequence change replaces arginine, which is basic and polar, with histidine, which is basic and polar, at codon 578 of the DSG1 protein (p.Arg578His). This variant is present in population databases (rs369362154, gnomAD 0.02%). This variant has not been reported in the literature in individuals affected with DSG1-related conditions. ClinVar contains an entry for this variant (Variation ID: 2956859). Invitae Evidence Modeling of protein sequence and biophysical properties (such as structural, functional, and spatial information, amino acid conservation, physicochemical variation, residue mobility, and thermodynamic stability) indicates that this missense variant is not expected to disrupt DSG1 protein function with a negative predictive value of 80%. In summary, the available evidence is currently insufficient to determine the role of this variant in disease. Therefore, it has been classified as a Variant of Uncertain Significance.

Ambry Genetics
Classification: Uncertain significance for Inborn genetic diseases. Last evaluated: 2024-10-04. Review status: criteria provided, single submitter. Criteria: Ambry Variant Classification Scheme 2023. Collection method: clinical testing. Allele origin: germline.

NM_001942.4(DSG1):c.1733G>A (p.Arg578His)

Genes: DSG1 (desmoglein 1; plus strand), DSG1-AS1 (DSG1 antisense RNA 1; minus strand). Cytogenetic location: 18q12.1.
Variant type: single nucleotide variant.
Coding change: c.1733G>A on transcript NM_001942.4 (MANE Select); coding-DNA position 1733, G replaced by A.
Protein change: p.Arg578His; replaces arginine 578 with histidine.
Molecular consequence: missense variant. On other transcripts: non-coding transcript variant (2).
Genome position (GRCh38, 1-based): chr18:31,343,495, G>A. VCF-style: chr18-31343495-G-A. GRCh37 (hg19) VCF-style: chr18-28923458-G-A.
Other names: c.1733G>A (NM_001942.2); short protein forms R578H.
Identifiers: ClinVar variation 2956859 (VCV002956859.4), dbSNP rs369362154, ClinGen allele CA8926162.